The following is an entry in ClinVar:

NM_000465.4(BARD1):c.1314G>T (p.Lys438Asn)

Gene: BARD1 (BRCA1 associated RING domain 1; minus strand). Cytogenetic location: 2q35.
Variant type: single nucleotide variant.
Coding change: c.1314G>T on transcript NM_000465.4 (MANE Select); coding-DNA position 1314, G replaced by T.
Protein change: p.Lys438Asn; replaces lysine 438 with asparagine.
Molecular consequence: missense variant. On other transcripts: non-coding transcript variant (2), intron variant (3).
Genome position (GRCh38, 1-based): chr2:214,780,560, C>A on the plus strand (G>T on the coding strand, the complement: BARD1 is on the minus strand). VCF-style: chr2-214780560-C-A. GRCh37 (hg19) VCF-style: chr2-215645284-C-A.
Other names: c.1257G>T, p.Lys419Asn (NM_001282543.2); c.159-28005G>T (NM_001282548.2); c.215+16501G>T (NM_001282545.2); c.364+11737G>T (NM_001282549.2); short protein forms K438N, K419N.
Identifiers: ClinVar variation 634732 (VCV000634732.3), dbSNP rs1559423185, ClinGen allele CA350453156.

ClinVar aggregate classification (germline): Likely pathogenic. Review status: criteria provided, single submitter (1 of 4 stars). 2 submissions from 2 submitters: Likely pathogenic (1). 1 of the submissions does not count toward it. Last evaluated 2026-06-01.

Conditions:
Familial cancer of breast. Also called: BREAST CANCER, FAMILIAL; Hereditary breast cancer; hereditary breast carcinoma. Identifiers: Orphanet 227535, MedGen C0346153, MONDO:0016419, OMIM 114480. Disease mechanism: loss of function.
Ovarian neoplasm. Also called: Ovarian Neoplasms; Ovarian tumor; Neoplasm of ovary. Identifiers: MedGen C0919267, MeSH D010051, MONDO:0021068, HP:0100615.

Submissions (2):

Myriad Genetics, Inc.
Classification: Likely pathogenic for Familial cancer of breast. Last evaluated: 2026-06-01. Review status: criteria provided, single submitter. Criteria: Myriad Autosomal Dominant, Autosomal Recessive and X-Linked Classification Criteria (2023). Collection method: clinical testing. Allele origin: unknown.
Comment: This variant is considered likely pathogenic. mRNA analysis has demonstrated abnormal mRNA splicing occurs [Myriad internal data].

German Consortium for Hereditary Breast and Ovarian Cancer, University Hospital Cologne
Classification: Likely pathogenic for Ovarian neoplasm. Last evaluated: 2018-12-01. Review status: no assertion criteria provided. Collection method: research. Allele origin: somatic. Affected: yes. Not counted in ClinVar's aggregate classification.